The following is an entry in ClinVar:

ClinVar aggregate classification (germline): Benign. Review status: criteria provided, single submitter (1 of 4 stars). 2 submissions from 2 submitters: Benign (1). 1 of the submissions does not count toward it. Last evaluated 2018-07-15.

Conditions:
PLXNB1-related disorder. Also called: PLXNB1-related condition.

Allele frequency attached by ClinVar (database versions not stated): 1000 Genomes Project 30x 0.00437; 1000 Genomes Project 0.00459; gnomAD 0.00500 and 0.00542; TOPMed 0.00535; ESP Exome Variant Server 0.00547.
gnomAD v4.1: 1,688 of 1,601,958 alleles (0.11%); highest among the groups gnomAD compares: African/African-American, 1.8%; 9 homozygotes.

Submissions (2):

Labcorp Genetics (formerly Invitae), Labcorp
Classification: Benign. Last evaluated: 2018-07-15. Review status: criteria provided, single submitter. Criteria: Invitae Variant Classification Sherloc (09022015). Collection method: clinical testing. Allele origin: germline.

PreventionGenetics, part of Exact Sciences
Classification: Benign for PLXNB1-related condition. Last evaluated: 2019-06-04. Review status: no assertion criteria provided. Collection method: clinical testing. Allele origin: germline. Not counted in ClinVar's aggregate classification.
Comment: This variant is classified as benign based on ACMG/AMP sequence variant interpretation guidelines (Richards et al. 2015 PMID: 25741868, with internal and published modifications).

NM_001130082.3(PLXNB1):c.381C>T (p.Leu127=)

Gene: PLXNB1 (plexin B1; minus strand). Cytogenetic location: 3p21.31.
Variant type: single nucleotide variant.
Coding change: c.381C>T on transcript NM_001130082.3 (MANE Select); coding-DNA position 381, C replaced by T.
Protein change: p.Leu127=; no amino-acid change (leucine 127 retained).
Molecular consequence: synonymous variant.
Genome position (GRCh38, 1-based): chr3:48,424,231, G>A on the plus strand (C>T on the coding strand, the complement: PLXNB1 is on the minus strand). VCF-style: chr3-48424231-G-A. GRCh37 (hg19) VCF-style: chr3-48465640-G-A.
Other names: c.381C>T, p.Leu127= (NM_002673.6).
Identifiers: ClinVar variation 712526 (VCV000712526.5), dbSNP rs138973378, ClinGen allele CA2375366.
Genomic context (GRCh38, chr3:48,424,231, plus strand): 5'-ATCATTGGCAGCCACATATTGTGTGTCCCCAGGCCGCTCTGGCCGCAGCAGCAGCTGCTC[G>A]AGCTGCCCCAGGCGCCGCTGTTCACAGACCCCCTGGTGCACGCTCCCGCATACCACCAGG-3'
Protein context (NP_001123554.1, residues 117-137): GVCEQRRLGQ[Leu127=]EQLLLRPERP